The following is an entry in ClinVar:

NM_001382430.1(AKT1):c.361del (p.Arg121fs)

Gene: AKT1 (AKT serine/threonine kinase 1; minus strand). Cytogenetic location: 14q32.33.
Variant type: Deletion.
Coding change: c.361del on transcript NM_001382430.1 (MANE Select); coding-DNA position 361, one base deleted (C; older notation c.361delC).
Protein change: p.Arg121fs; shifts the reading frame from arginine 121.
Molecular consequence: frameshift variant.
Genome position (GRCh38, 1-based): chr14:104,775,726, G deleted on the plus strand (C on the coding strand, the reverse complement: AKT1 is on the minus strand); the first of 2 consecutive G bases (chr14:104,775,726-104,775,727); deleting either gives the same sequence. VCF-style (leftmost placement, unchanged base first): chr14-104775725-CG-C. GRCh37 (hg19) VCF-style: chr14-105242062-CG-C.
Other names: c.361del, p.Arg121fs (NM_001014431.2, NM_001014432.2, NM_001382431.1 and 3 more transcripts); short protein forms R121fs.
Identifiers: ClinVar variation 3252342 (VCV003252342.1), dbSNP rs2542149592.

ClinVar aggregate classification (germline): Uncertain significance (1 of 4 stars; one submission).

Submission:

GeneDx
Classification: Uncertain significance. Last evaluated: 2023-12-03. Review status: criteria provided, single submitter. Criteria: GeneDx Variant Classification Process June 2021. Collection method: clinical testing. Allele origin: germline. Affected: yes.
Comment: Has not been previously published as pathogenic or benign to our knowledge; Frameshift variant predicted to result in protein truncation or nonsense mediated decay in a gene or region of a gene for which loss of function is not a well-established mechanism of disease; Not observed at significant frequency in large population cohorts (gnomAD)